The following is an entry in ClinVar:

ClinVar aggregate classification (germline): Likely benign (1 of 4 stars; one submission).

gnomAD v4.1: 8 of 1,605,632 alleles (0.0005%); highest among the groups gnomAD compares: African/African-American, 0.0013%; no homozygotes.

Submission:

CeGaT Center for Human Genetics Tuebingen
Classification: Likely benign. Last evaluated: 2026-03-01. Review status: criteria provided, single submitter. Criteria: CeGaT Center For Human Genetics Tuebingen Variant Classification Criteria Version 2. Collection method: clinical testing. Allele origin: germline. Affected: yes. Observed: 1 variant allele.
Comment: MLLT3: BP4, BP7

NM_004529.4(MLLT3):c.522C>T (p.Ser174=)

Gene: MLLT3 (MLLT3 super elongation complex subunit; minus strand). Cytogenetic location: 9p21.3.
Variant type: single nucleotide variant.
Coding change: c.522C>T on transcript NM_004529.4 (MANE Select); coding-DNA position 522, C replaced by T.
Protein change: p.Ser174=; no amino-acid change (serine 174 retained).
Molecular consequence: synonymous variant.
Genome position (GRCh38, 1-based): chr9:20,414,324, G>A on the plus strand (C>T on the coding strand, the complement: MLLT3 is on the minus strand). VCF-style: chr9-20414324-G-A. GRCh37 (hg19) VCF-style: chr9-20414322-G-A.
Other names: c.513C>T, p.Ser171= (NM_001286691.2).
Identifiers: ClinVar variation 4821065 (VCV004821065.4).
Genomic context (GRCh38, chr9:20,414,324, plus strand): 5'-TGAAAAACTGGTACTACTGCTGCTGCTGCTGCTGCTACTGCTGCTGCTACTGCTGCTGCT[G>A]CTGCTGCTGCTGCTGCTGCTACTGCTGCTGCTGCTGCTGCTGCTGCTGCTGCTACTGCTG-3'
Protein context (NP_004520.2, residues 164-184): SSSSSSSSSS[Ser174=]SSSSSSSSSS